The following is an entry in ClinVar:

ClinVar aggregate classification (germline): Conflicting classifications of pathogenicity. Review status: criteria provided, conflicting classifications (1 of 4 stars). 7 submissions from 7 submitters: Likely pathogenic (6); Uncertain significance (1). Last evaluated 2026-06-19.

Conditions:
ATM-related disorder. Also called: ATM-related disorders; ATM-related condition.
Hereditary cancer-predisposing syndrome. Also called: Tumor predisposition; Neoplastic Syndromes, Hereditary; Hereditary Cancer Syndrome; Hereditary neoplastic syndrome. Identifiers: Orphanet 140162, MedGen C0027672, MeSH D009386, MONDO:0015356.
Ataxia-telangiectasia syndrome (AT). Also called: ATAXIA-TELANGIECTASIA, COMPLEMENTATION GROUP A; ATAXIA-TELANGIECTASIA, FRESNO VARIANT; Ataxia-telangiectasia; LOUIS-BAR SYNDROME; Ataxia-telangiectasia, complementation group D; AT, COMPLEMENTATION GROUP C. Identifiers: Orphanet 100, MedGen C0004135, MONDO:0008840, OMIM 208900.

Allele frequency attached by ClinVar (database versions not stated): gnomAD 0.00001; TOPMed 0.00001; gnomAD exomes below 0.00001.
gnomAD v4.1: 4 of 1,609,362 alleles (0.00025%); highest among the groups gnomAD compares: Non-Finnish European, 0.00034%; no homozygotes.

Submissions (7):

Ambry Genetics
Classification: Likely pathogenic for Hereditary cancer-predisposing syndrome. Last evaluated: 2026-06-19. Review status: criteria provided, single submitter. Criteria: Ambry Variant Classification Scheme 2023. Collection method: clinical testing. Allele origin: germline.
Comment: The p.C977Y variant (also known as c.2930G>A), located in coding exon 19 of the ATM gene, results from a G to A substitution at nucleotide position 2930. The cysteine at codon 977 is replaced by tyrosine, an amino acid with highly dissimilar properties. This variant has been confirmed in trans with an ATM pathogenic mutation in multiple, related individuals with clinical features of ataxia telangiectasia (external communication). In addition, this variant co-segregated with disease in one family tested in an external laboratory. Another alteration at the same codon, p.C977R (c.2929T>C) has been described in an individual diagnosed with ataxia telangiectasia (Galatolo D et al. Int J Mol Sci, 2021 Aug;22(16):8490). This amino acid position is highly conserved in available vertebrate species. In addition, this alteration is predicted to be deleterious by in silico analysis. Based on the majority of available evidence to date, this variant is likely to be pathogenic.

PreventionGenetics, part of Exact Sciences
Classification: Likely pathogenic for ATM-related condition. Last evaluated: 2026-06-10. Review status: criteria provided, single submitter. Criteria: ACMG Guidelines, 2015. Collection method: clinical testing. Allele origin: germline.
Comment: The ATM c.2930G>A variant is predicted to result in the amino acid substitution p.Cys977Tyr. This variant has been reported in an individual with pancreatic ductal adenocarcinoma (Figure 2B, Yu et al. 2022. PubMed ID: 35047863) and in an individual with breast cancer (Amendola et al. 2019. PubMed ID: 31317629). Additionally, an alternate change at this amino acid position (c.2929T>C (p.Cys977Arg)) has been reported in trans with a protein-truncating variant in a pediatric patient with congenital ataxia (Galatolo et al. 2021. PubMed ID: 34445196) and is interpreted as likely pathogenic in ClinVar (Variation ID: 1027443). This variant c.2930G>A (p.Cys977Tyr) has classifications ranging from uncertain to likely pathogenic in ClinVar (Variation ID: 233765) and is reported in 0.0069% of alleles in individuals of European (Non-Finnish) descent in gnomAD. Taken together, we classify this variant as likely pathogenic.

Women's Health and Genetics/Laboratory Corporation of America, LabCorp
Classification: Likely pathogenic for Ataxia-telangiectasia syndrome. Last evaluated: 2026-02-09. Review status: criteria provided, single submitter. Criteria: LabCorp Variant Classification Summary - May 2015. Collection method: clinical testing. Allele origin: germline.
Comment: Variant summary: ATM c.2930G>A (p.Cys977Tyr) results in a non-conservative amino acid change in the encoded protein sequence. Algorithms developed to predict the effect of missense changes on protein structure and function are either unavailable or do not agree on the potential impact of this missense change. The variant allele was found at a frequency of 2.5e-06 in 1602390 control chromosomes in the gnomAD database (v4.1 dataset). c.2930G>A has been observed in heterozygous state in individuals affected with ATM-related cancer phenotypes (e.g. Amendola_2019, Yu_2022), and in compound heterozygous state in individuals with ataxia-telangiectasia (Labcorp Genetics (formerly Invitae), internal data). These data indicate that the variant is likely to be associated with disease. To our knowledge, no experimental evidence demonstrating an impact on protein function has been reported. The following publications have been ascertained in the context of this evaluation (PMID: 31317629, 35047863). ClinVar contains an entry for this variant (Variation ID: 233765). Based on the evidence outlined above, the variant was classified as likely pathogenic.

Labcorp Genetics (formerly Invitae), Labcorp
Classification: Likely pathogenic for Ataxia-telangiectasia syndrome. Last evaluated: 2025-11-20. Review status: criteria provided, single submitter. Criteria: Invitae Variant Classification Sherloc (09022015). Collection method: clinical testing. Allele origin: germline.
Comment: This sequence change replaces cysteine, which is neutral and slightly polar, with tyrosine, which is neutral and polar, at codon 977 of the ATM protein (p.Cys977Tyr). The frequency data for this variant in the population databases is considered unreliable, as metrics indicate poor data quality at this position in the gnomAD database. This missense change has been observed in individual(s) with ataxia-telangiectasia and/or pancreatic cancer (PMID: 35047863; internal data). In at least one individual the data is consistent with being in trans (on the opposite chromosome) from a pathogenic variant. It has also been observed to segregate with disease in related individuals. ClinVar contains an entry for this variant (Variation ID: 233765). Invitae Evidence Modeling of protein sequence and biophysical properties (such as structural, functional, and spatial information, amino acid conservation, physicochemical variation, residue mobility, and thermodynamic stability) has been performed for this missense variant. However, the output from this modeling did not meet the statistical confidence thresholds required to predict the impact of this variant on ATM protein function. This variant disrupts the p.Cys977 amino acid residue in ATM. Other variant(s) that disrupt this residue have been observed in individuals with ATM-related conditions (PMID: 34445196), which suggests that this may be a clinically significant amino acid residue. In summary, the currently available evidence indicates that the variant is pathogenic, but additional data are needed to prove that conclusively. Therefore, this variant has been classified as Likely Pathogenic.

Color Diagnostics, LLC DBA Color Health
Classification: Uncertain significance for Hereditary cancer-predisposing syndrome. Last evaluated: 2024-04-02. Review status: criteria provided, single submitter. Criteria: ACMG Guidelines, 2015. Collection method: clinical testing. Allele origin: germline.
Comment: This missense variant replaces cysteine with tyrosine at codon 977 of the ATM protein. Computational prediction suggests that this variant may have deleterious impact on protein structure and function (internally defined REVEL score threshold >= 0.7, PMID: 27666373). To our knowledge, functional studies have not been performed for this variant. This variant has been reported in the compound heterozygous state in at least one family affected with ataxia-telangiectasia (communication with external laboratories; ClinVar SCV001812983.2, SCV000282917.8). This variant has also been reported in an individual affected with breast cancer (PMID: 31317629). This variant has not been identified in the general population by the Genome Aggregation Database (gnomAD). The available evidence is insufficient to determine the role of this variant in disease conclusively. Therefore, this variant is classified as a Variant of Uncertain Significance.

Quest Diagnostics Nichols Institute San Juan Capistrano
Classification: Likely pathogenic. Last evaluated: 2024-03-12. Review status: criteria provided, single submitter. Criteria: Quest Diagnostics criteria. Collection method: clinical testing. Allele origin: unknown.
Comment: The ATM c.2930G>A (p.Cys977Tyr) variant has been reported in the published literature in individuals affected with breast cancer (PMID: 31317629 (2019)) and pancreatic cancer (PMID: 35047863 (2022)). This variant has been reported in individuals with clinical features of ataxia telangiectasia, and were compound heterozygous for the variant and a pathogenic or likely pathogenic variant (Invitae, personal communication regarding ClinVar ID 233765). Additionally, the variant was reported to segregate with disease in at least one family (Invitae, personal communication regarding ClinVar ID 233765). The frequency of this variant in the general population, 0.000034 (1/29448 chromosomes (Genome Aggregation Database)), is consistent with pathogenicity. Analysis of this variant using bioinformatics tools for the prediction of the effect of amino acid changes on protein structure and function yielded predictions that this variant is damaging. Based on the available information, this variant is classified as likely pathogenic.

GeneDx
Classification: Likely pathogenic. Last evaluated: 2023-11-03. Review status: criteria provided, single submitter. Criteria: GeneDx Variant Classification Process June 2021. Collection method: clinical testing. Allele origin: germline. Affected: yes.
Comment: Observed in the heterozygous state in individuals breast or pancreatic cancer (PMID: 31317629, 35047863); Not observed at significant frequency in large population cohorts (gnomAD); In silico analysis supports that this missense variant has a deleterious effect on protein structure/function; This variant is associated with the following publications: (PMID: 31317629, 22895193, 28536309, 19781682, 35047863)

Literature cited by the submitters: PubMed 34445196 (cited by Ambry Genetics and Labcorp Genetics (formerly Invitae), Labcorp); PubMed 35047863 (cited by 3 submitters); PubMed 31317629 (cited by 3 submitters).

NM_000051.4(ATM):c.2930G>A (p.Cys977Tyr)

Gene: ATM (ATM serine/threonine kinase; plus strand). Cytogenetic location: 11q22.3.
Variant type: single nucleotide variant.
Coding change: c.2930G>A on transcript NM_000051.4 (MANE Select); coding-DNA position 2930, G replaced by A.
Protein change: p.Cys977Tyr; replaces cysteine 977 with tyrosine.
Molecular consequence: missense variant.
Genome position (GRCh38, 1-based): chr11:108,271,259, G>A. VCF-style: chr11-108271259-G-A. GRCh37 (hg19) VCF-style: chr11-108141986-G-A.
Other names: c.2930G>A, p.Cys977Tyr (NM_001351834.2); short protein forms C977Y.
Identifiers: ClinVar variation 233765 (VCV000233765.30), dbSNP rs876660628, ClinGen allele CA10579077.